The following is an entry in ClinVar:

ClinVar aggregate classification (germline): Pathogenic (1 of 4 stars; one submission).

Allele frequency attached by ClinVar (database versions not stated): gnomAD exomes below 0.00001; gnomAD 0.00001.
gnomAD v4.1: 2 of 1,613,704 alleles (0.00012%); highest among the groups gnomAD compares: Non-Finnish European, 0.00017%; no homozygotes.

Submission:

Labcorp Genetics (formerly Invitae), Labcorp
Classification: Pathogenic. Last evaluated: 2023-08-18. Review status: criteria provided, single submitter. Criteria: Invitae Variant Classification Sherloc (09022015). Collection method: clinical testing. Allele origin: germline.
Comment: For these reasons, this variant has been classified as Pathogenic. Algorithms developed to predict the effect of sequence changes on RNA splicing suggest that this variant may disrupt the consensus splice site. This variant has not been reported in the literature in individuals affected with TTC37-related conditions. This variant is not present in population databases (gnomAD no frequency). This sequence change creates a premature translational stop signal (p.Gln966*) in the TTC37 gene. It is expected to result in an absent or disrupted protein product. Loss-of-function variants in TTC37 are known to be pathogenic (PMID: 20176027, 21120949).

Literature cited by the submitters: PubMed 20176027; PubMed 21120949.

NM_014639.4(SKIC3):c.2896C>T (p.Gln966Ter)

Gene: SKIC3 (SKI3 subunit of superkiller complex; minus strand). Cytogenetic location: 5q15.
Variant type: single nucleotide variant.
Coding change: c.2896C>T on transcript NM_014639.4 (MANE Select); coding-DNA position 2896, C replaced by T.
Protein change: p.Gln966Ter; replaces glutamine 966 with a stop codon.
Molecular consequence: nonsense.
Genome position (GRCh38, 1-based): chr5:95,512,501, G>A on the plus strand (C>T on the coding strand, the complement: SKIC3 is on the minus strand). VCF-style: chr5-95512501-G-A. GRCh37 (hg19) VCF-style: chr5-94848205-G-A.
Other names: short protein forms Q966*.
Identifiers: ClinVar variation 2795675 (VCV002795675.3), dbSNP rs1747192100, ClinGen allele CA360455259.